The following is an entry in ClinVar:

ClinVar aggregate classification (germline): Uncertain significance (1 of 4 stars; one submission).

Conditions:
Dyskeratosis congenita. Identifiers: Orphanet 1775, MedGen C0265965, MONDO:0015780.

Allele frequency attached by ClinVar (database versions not stated): gnomAD below 0.00001 and 0.00001; TOPMed below 0.00001; ExAC 0.00001; gnomAD exomes 0.00001 and 0.00002.
gnomAD v4.1: 14 of 1,613,758 alleles (0.00087%); highest among the groups gnomAD compares: South Asian, 0.014%; no homozygotes.

Submission:

Labcorp Genetics (formerly Invitae), Labcorp
Classification: Uncertain significance for Dyskeratosis congenita. Last evaluated: 2024-05-10. Review status: criteria provided, single submitter. Criteria: Invitae Variant Classification Sherloc (09022015). Collection method: clinical testing. Allele origin: germline.
Comment: This sequence change replaces methionine, which is neutral and non-polar, with threonine, which is neutral and polar, at codon 128 of the NHP2 protein (p.Met128Thr). This variant is present in population databases (rs759145032, gnomAD 0.01%). This variant has not been reported in the literature in individuals affected with NHP2-related conditions. ClinVar contains an entry for this variant (Variation ID: 241215). An algorithm developed to predict the effect of missense changes on protein structure and function (PolyPhen-2) suggests that this variant is likely to be tolerated. In summary, the available evidence is currently insufficient to determine the role of this variant in disease. Therefore, it has been classified as a Variant of Uncertain Significance.

NM_017838.4(NHP2):c.383T>C (p.Met128Thr)

Genes: RMND5B (required for meiotic nuclear division 5 homolog B; plus strand), NHP2 (NHP2 ribonucleoprotein; minus strand). Cytogenetic location: 5q35.3.
Variant type: single nucleotide variant.
Coding change: c.383T>C on transcript NM_017838.4 (MANE Select); coding-DNA position 383, T replaced by C.
Protein change: p.Met128Thr; replaces methionine 128 with threonine.
Molecular consequence: missense variant. On other transcripts: 3 prime UTR variant (5).
Genome position (GRCh38, 1-based): chr5:178,149,792, A>G on the plus strand (T>C on the coding strand, the complement: NHP2 is on the minus strand). VCF-style: chr5-178149792-A-G. GRCh37 (hg19) VCF-style: chr5-177576793-A-G.
Other names: c.*4T>C (NM_001034833.2, NM_001396110.1); c.*1760A>G (NM_001288794.2, NM_001288795.2, NM_022762.5); short protein forms M128T.
Identifiers: ClinVar variation 241215 (VCV000241215.8), dbSNP rs759145032, ClinGen allele CA3589116.
Genomic context (GRCh38, chr5:178,149,792, plus strand): 5'-GACTGCACCTCCTCCAGGCACTCATCGTAAGCCTCCTGGTACTCCTCATGGGGCTTGACC[A>G]TTATCACACAGGTGGGGCGCTTGGAGCCTGCGGCTGCACCCAGGTCCTACAGAGGGGAAA-3'
Protein context (NP_060308.1, residues 118-138): AGSKRPTCVI[Met128Thr]VKPHEEYQEA